The following is an entry in ClinVar:

NM_003978.5(PSTPIP1):c.1220T>C (p.Phe407Ser)

Gene: PSTPIP1 (proline-serine-threonine phosphatase interacting protein 1; plus strand). Cytogenetic location: 15q24.3.
Variant type: single nucleotide variant.
Coding change: c.1220T>C on transcript NM_003978.5 (MANE Select); coding-DNA position 1220, T replaced by C.
Protein change: p.Phe407Ser; replaces phenylalanine 407 with serine.
Molecular consequence: missense variant. On other transcripts: non-coding transcript variant (1).
Genome position (GRCh38, 1-based): chr15:77,037,145, T>C. VCF-style: chr15-77037145-T-C. GRCh37 (hg19) VCF-style: chr15-77329486-T-C.
Other names: c.1163T>C, p.Phe388Ser (NM_001321135.2); c.1193T>C, p.Phe398Ser (NM_001321136.2); c.1415T>C, p.Phe472Ser (NM_001321137.1); short protein forms F388S, F407S, F398S, F472S.
Identifiers: ClinVar variation 1514060 (VCV001514060.8), dbSNP rs2152692942, ClinGen allele CA393522130.

ClinVar aggregate classification (germline): Uncertain significance (1 of 4 stars; one submission).

Conditions:
Pyogenic arthritis-pyoderma gangrenosum-acne syndrome (PAPA). Also called: FAMILIAL RECURRENT ARTHRITIS; PAPA SYNDROME. Identifiers: Orphanet 69126, MedGen C1858361, MONDO:0011462, OMIM 604416.

Submission:

Labcorp Genetics (formerly Invitae), Labcorp
Classification: Uncertain significance for Pyogenic arthritis-pyoderma gangrenosum-acne syndrome. Last evaluated: 2021-04-22. Review status: criteria provided, single submitter. Criteria: Invitae Variant Classification Sherloc (09022015). Collection method: clinical testing. Allele origin: germline.
Comment: This sequence change replaces phenylalanine with serine at codon 407 of the PSTPIP1 protein (p.Phe407Ser). The phenylalanine residue is moderately conserved and there is a large physicochemical difference between phenylalanine and serine. This variant is not present in population databases (ExAC no frequency). This variant has not been reported in the literature in individuals with PSTPIP1-related conditions. Algorithms developed to predict the effect of missense changes on protein structure and function are either unavailable or do not agree on the potential impact of this missense change (SIFT: "Deleterious"; PolyPhen-2: "Possibly Damaging"; Align-GVGD: "Class C0"). In summary, the available evidence is currently insufficient to determine the role of this variant in disease. Therefore, it has been classified as a Variant of Uncertain Significance.